The following is an entry in ClinVar:

NM_001267550.2(TTN):c.69078del (p.Phe23026fs)

Genes: TTN (titin; minus strand), TTN-AS1 (TTN antisense RNA 1; plus strand). Cytogenetic location: 2q31.2.
Variant type: Deletion.
Coding change: c.69078del on transcript NM_001267550.2 (MANE Select); coding-DNA position 69078, one base deleted (T; older notation c.69078delT).
Protein change: p.Phe23026fs; shifts the reading frame from phenylalanine 23026.
Molecular consequence: frameshift variant.
Genome position (GRCh38, 1-based): chr2:178,577,257, A deleted on the plus strand (T on the coding strand, the reverse complement: TTN is on the minus strand); the first of 4 consecutive A bases (chr2:178,577,257-178,577,260); deleting any one gives the same sequence. VCF-style (leftmost placement, unchanged base first): chr2-178577256-CA-C. GRCh37 (hg19) VCF-style: chr2-179441983-CA-C.
Other names: c.64155del, p.Phe21385fs (NM_001256850.1); c.41883del, p.Phe13961fs (NM_003319.4); c.61374del, p.Phe20458fs (NM_133378.4); c.42258del, p.Phe14086fs (NM_133432.3); c.42459del, p.Phe14153fs (NM_133437.4); c.41883delT (NM_003319.4); short protein forms F21385fs, F23026fs, F13961fs, F14086fs, F14153fs, F20458fs.
Identifiers: ClinVar variation 1738540 (VCV001738540.2), dbSNP rs2468772442, ClinGen allele CA2580064947.

ClinVar aggregate classification (germline): Likely pathogenic (1 of 4 stars; one submission).

Conditions:
Cardiovascular phenotype. Identifiers: MedGen CN230736.

Submission:

Ambry Genetics
Classification: Likely pathogenic for Cardiovascular phenotype. Last evaluated: 2019-10-31. Review status: criteria provided, single submitter. Criteria: Ambry Variant Classification Scheme 2023. Collection method: clinical testing. Allele origin: germline.
Comment: The c.41883delT variant, located in coding exon 151 of the TTN gene, results from a deletion of one nucleotide at nucleotide position 41883, causing a translational frameshift with a predicted alternate stop codon (p.F13961Lfs*8). This exon is located in the A-band region of the N2-B isoform of the titin protein and is constitutively expressed in TTN transcripts (percent spliced in or PSI 100%). This alteration is expected to result in loss of function by premature protein truncation or nonsense-mediated mRNA decay. While truncating variants in TTN are present in 1-3% of the general population, truncating variants in the A-band are the most common cause of dilated cardiomyopathy (DCM) (Herman DS et al. N. Engl. J. Med. 2012 Feb;366:619-28; Roberts AM et al. Sci Transl Med. 2015 Jan;7:270ra6). TTN truncating variants encoded in constitutive exons (PSI >90%) have been found to be significantly associated with DCM regardless of their position in titin (Schafer S et al. Nat. Genet. 2017 Jan;49:46-53). As such, this alteration is classified as likely pathogenic.